The following is an entry in ClinVar:

NM_001323289.2(CDKL5):c.349_351dup (p.Tyr117_Gln118insTyr)

Gene: CDKL5 (cyclin dependent kinase like 5; plus strand). Cytogenetic location: Xp22.13.
Variant type: Duplication.
Coding change: c.349_351dup on transcript NM_001323289.2 (MANE Select); coding-DNA positions 349 to 351, 3 bases duplicated (TAT; older notation c.349_351dupTAT).
Protein change: p.Tyr117_Gln118insTyr.
Genome position (GRCh38, 1-based): chrX:18,579,914-18,579,916, TAT duplicated. VCF-style (leftmost placement, unchanged base first): chrX-18579913-C-CTAT. GRCh37 (hg19) VCF-style: chrX-18598033-C-CTAT.
Other names: c.349_351dup, p.Tyr117_Gln118insTyr (NM_001037343.2, NM_003159.3).
Identifiers: ClinVar variation 4786612 (VCV004786612.1).

ClinVar aggregate classification (germline): Likely pathogenic (1 of 4 stars; one submission).

Conditions:
Angelman syndrome-like. Identifiers: MedGen CN128785.
Developmental and epileptic encephalopathy, 2 (DEE2). Also called: INFANTILE SPASM SYNDROME, X-LINKED 2; CDKL5 deficiency disorder. Identifiers: Orphanet 1934, Orphanet 3451, Orphanet 505652, MedGen C4750718, MONDO:0010396, OMIM 300672.

Submission:

Labcorp Genetics (formerly Invitae), Labcorp
Classification: Likely pathogenic for Developmental and epileptic encephalopathy, 2; Angelman syndrome-like. Last evaluated: 2025-11-24. Review status: criteria provided, single submitter. Criteria: Invitae Variant Classification Sherloc (09022015). Collection method: clinical testing. Allele origin: germline.
Comment: This variant, c.349_351dup, results in the insertion of 1 amino acid(s) of the CDKL5 protein (p.Tyr117dup), but otherwise preserves the integrity of the reading frame. This variant is not present in population databases (gnomAD no frequency). This variant has been observed in individual(s) with clinical features of CDKL5-related conditions (internal data). In at least one individual the variant was observed to be de novo. In summary, the currently available evidence indicates that the variant is pathogenic, but additional data are needed to prove that conclusively. Therefore, this variant has been classified as Likely Pathogenic.